The following is an entry in ClinVar:

NM_001267550.2(TTN):c.87248dup (p.Leu29085fs)

Genes: TTN (titin; minus strand), TTN-AS1 (TTN antisense RNA 1; plus strand). Cytogenetic location: 2q31.2.
Variant type: Duplication.
Coding change: c.87248dup on transcript NM_001267550.2 (MANE Select); coding-DNA position 87248, one base duplicated (T; older notation c.87248dupT).
Protein change: p.Leu29085fs; shifts the reading frame from leucine 29085.
Molecular consequence: frameshift variant.
Genome position (GRCh38, 1-based): chr2:178,558,106, A duplicated on the plus strand (T on the coding strand, the reverse complement: TTN is on the minus strand). VCF-style (leftmost placement, unchanged base first): chr2-178558105-G-GA. GRCh37 (hg19) VCF-style: chr2-179422832-G-GA.
Other names: c.82325dup, p.Leu27444fs (NM_001256850.1); c.60053dup, p.Leu20020fs (NM_003319.4); c.79544dup, p.Leu26517fs (NM_133378.4); c.60428dup, p.Leu20145fs (NM_133432.3); c.60629dup, p.Leu20212fs (NM_133437.4); short protein forms L20020fs, L20145fs, L20212fs, L26517fs, L27444fs, L29085fs.
Identifiers: ClinVar variation 3372734 (VCV003372734.1).
Genomic context (GRCh38, chr2:178,558,105, plus strand): 5'-ATTGATGGTCAGGTTCTCAGCAGTAATTTCGGTATTAAATCTCATGGTTGCCTTAAGGGG[G>GA]ACACCATCTCTTGATAAGGTCACTTTGGGAAGTGGTTTTCCAGAGATTGGAATGTCAACT-3'

ClinVar aggregate classification (germline): Likely pathogenic (1 of 4 stars; one submission).

Submission:

GeneDx
Classification: Likely pathogenic. Last evaluated: 2024-04-17. Review status: criteria provided, single submitter. Criteria: GeneDx Variant Classification Process June 2021. Collection method: clinical testing. Allele origin: germline. Affected: yes.
Comment: Frameshift variant predicted to result in protein truncation or nonsense mediated decay in a gene for which loss of function is a known mechanism of disease; Located in the A-band region of TTN in which the majority of loss of function variants have been associated with autosomal dominant titinopathies (PMID: 22335739); Not observed at significant frequency in large population cohorts (gnomAD); Has not been previously published as pathogenic or benign to our knowledge; This variant is associated with the following publications: (PMID: 22335739)